The following is an entry in ClinVar:

ClinVar aggregate classification (germline): Likely pathogenic (1 of 4 stars; one submission).

Submission:

Labcorp Genetics (formerly Invitae), Labcorp
Classification: Likely pathogenic. Last evaluated: 2025-08-10. Review status: criteria provided, single submitter. Criteria: Invitae Variant Classification Sherloc (09022015). Collection method: clinical testing. Allele origin: germline.
Comment: This sequence change affects a donor splice site in intron 4 of the SLC34A2 gene. It is expected to disrupt RNA splicing. Variants that disrupt the donor or acceptor splice site typically lead to a loss of protein function (PMID: 16199547), and loss-of-function variants in SLC34A2 are known to be pathogenic (PMID: 16960801). This variant is not present in population databases (gnomAD no frequency). This variant has not been reported in the literature in individuals affected with SLC34A2-related conditions. Algorithms developed to predict the effect of sequence changes on RNA splicing suggest that this variant may disrupt the consensus splice site. In summary, the currently available evidence indicates that the variant is pathogenic, but additional data are needed to prove that conclusively. Therefore, this variant has been classified as Likely Pathogenic.

Literature cited by the submitters: PubMed 16199547; PubMed 16960801.

NM_006424.3(SLC34A2):c.379+1G>A

Gene: SLC34A2 (solute carrier family 34 member 2; plus strand). Cytogenetic location: 4p15.2.
Variant type: single nucleotide variant.
Coding change: c.379+1G>A on transcript NM_006424.3 (MANE Select); the canonical splice donor site of the intron after coding-DNA position 379, G replaced by A.
Molecular consequence: splice donor variant.
Genome position (GRCh38, 1-based): chr4:25,664,331, G>A. VCF-style: chr4-25664331-G-A. GRCh37 (hg19) VCF-style: chr4-25665953-G-A.
Other names: c.376+1G>A (NM_001177998.2, NM_001177999.2).
Identifiers: ClinVar variation 4761349 (VCV004761349.1).